The following is an entry in ClinVar:

ClinVar aggregate classification (germline): Uncertain significance (1 of 4 stars; one submission).

Conditions:
Immunodeficiency, developmental delay, and hypohomocysteinemia. Identifiers: MedGen C4540293, MONDO:0060591, OMIM 617744.

Submission:

Labcorp Genetics (formerly Invitae), Labcorp
Classification: Uncertain significance. Last evaluated: 2025-01-29. Review status: criteria provided, single submitter. Criteria: Invitae Variant Classification Sherloc (09022015). Collection method: clinical testing. Allele origin: germline.
Comment: This sequence change falls in intron 1 of the NFE2L2 gene. It does not directly change the encoded amino acid sequence of the NFE2L2 protein. It affects a nucleotide within the consensus splice site. This variant is not present in population databases (gnomAD no frequency). This variant has not been reported in the literature in individuals affected with NFE2L2-related conditions. Variants that disrupt the consensus splice site are a relatively common cause of aberrant splicing (PMID: 17576681, 9536098). Algorithms developed to predict the effect of sequence changes on RNA splicing suggest that this variant is not likely to affect RNA splicing. In summary, the available evidence is currently insufficient to determine the role of this variant in disease. Therefore, it has been classified as a Variant of Uncertain Significance.

Literature cited by the submitters: PubMed 17576681 (cited by Labcorp Genetics (formerly Invitae), Labcorp); PubMed 9536098 (cited by Labcorp Genetics (formerly Invitae), Labcorp).

NM_006164.5(NFE2L2):c.45+3G>A

Genes: NFE2L2 (NFE2 like bZIP transcription factor 2; minus strand), LOC129935169 (ATAC-STARR-seq lymphoblastoid silent region 12145; plus strand). Cytogenetic location: 2q31.2.
Variant type: single nucleotide variant.
Coding change: c.45+3G>A on transcript NM_006164.5 (MANE Select); 3 bases into the intron after coding-DNA position 45, G replaced by A.
Molecular consequence: intron variant.
Genome position (GRCh38, 1-based): chr2:177,264,529, C>T on the plus strand (G>A on the coding strand, the complement: NFE2L2 is on the minus strand). VCF-style: chr2-177264529-C-T. GRCh37 (hg19) VCF-style: chr2-178129257-C-T.
Other names: c.45+3G>A (NM_001313903.2, NM_001313902.2).
Identifiers: ClinVar variation 3676609 (VCV003676609.3).